The following continues an entry in ClinVar:

NM_206933.4(USH2A):c.2299del (p.Glu767fs)

Gene: USH2A. ClinVar aggregate classification (germline): Pathogenic. Pathogenic (49).

Submissions 12 to 30 of 65:

Variantyx, Inc.
Classification: Pathogenic for Autosomal recessive USH2A-related disorders. Last evaluated: 2025-03-12. Review status: criteria provided, single submitter. Criteria: Variantyx Assertion Criteria 2022. Collection method: clinical testing. Allele origin: germline.
Comment: This is a frameshift variant in the USH2A gene (OMIM: 608400). Pathogenic variants in this gene have been associated with autosomal recessive USH2A-related disorders. This variant introduces a premature termination codon in exon 13 out of 72. It is expected to result in loss of function, which is a known disease mechanism for USH2A in this disorder (PMID: 24607488 ) (PVS1). This variant has been identified in the homozygous or compound heterozygous state in at least 9 individual(s) from the published literature (PMID: 10729113 , 15823922, 25649381, 30718709 , 23924366)(PM3_Very_Strong). This variant has been observed to segregate with disease in at least 2 individuals from 1 family (PMID: 12525556) (PP1). This variant has a 0.1400% maximum allele frequency in non-founder control populations. Based on the current evidence, this variant is classified as pathogenic for autosomal recessive USH2A-related disorders.

Clinical Genetics Laboratory, University Hospital Schleswig-Holstein
Classification: Pathogenic for Retinitis pigmentosa 39. Last evaluated: 2025-03-11. Review status: criteria provided, single submitter. Criteria: ACMG Guidelines, 2015. Collection method: clinical testing. Allele origin: maternal. Affected: yes. Observed: 1 heterozygote.
Comment: ACMG criteria applied: PM2, PS4, PVS1, PP4

Blueprint Genetics
Classification: Pathogenic for USH2A-related disorders. Last evaluated: 2024-11-21. Review status: criteria provided, single submitter. Criteria: ACMG Guidelines, 2015. Collection method: clinical testing. Allele origin: germline. Affected: yes. Observed: 5 variant alleles.

North West Genomic Laboratory Hub, Manchester University NHS Foundation Trust
Classification: Pathogenic for Retinal disorders; Monogenic hearing loss. Last evaluated: 2024-11-08. Review status: criteria provided, single submitter. Criteria: ACGS Best Practice Guidelines for Variant Classification in Rare Disease 2024. Collection method: clinical testing. Allele origin: germline. Affected: yes.
Comment: PM3_VStr PVS1_VStr

Greenwood Genetic Center Diagnostic Laboratories, Greenwood Genetic Center
Classification: Pathogenic for Usher syndrome type 2A. Last evaluated: 2024-06-10. Review status: criteria provided, single submitter. Criteria: ACMG Guidelines, 2015. Collection method: clinical testing. Allele origin: germline. Affected: yes.
Comment: PVS1, PS3, PM3_Very Strong, PM6

Baylor Genetics
Classification: Pathogenic for Retinitis pigmentosa 39. Last evaluated: 2024-03-30. Review status: criteria provided, single submitter. Criteria: ACMG Guidelines, 2015. Collection method: clinical testing. Allele origin: unknown. Study: Adult_WES.

Fulgent Genetics
Classification: Pathogenic for Usher syndrome type 2A; Retinitis pigmentosa 39. Last evaluated: 2024-01-23. Review status: criteria provided, single submitter. Criteria: ACMG Guidelines, 2015. Collection method: clinical testing. Allele origin: germline.

Bioscientia Institut fuer Medizinische Diagnostik GmbH, Sonic Healthcare
Classification: Pathogenic for Usher syndrome type 2A; Retinitis pigmentosa 39. Last evaluated: 2023-11-22. Review status: criteria provided, single submitter. Criteria: ACMG Guidelines, 2015. Collection method: clinical testing. Allele origin: germline. Affected: yes.

Genome-Nilou Lab
Classification: Pathogenic for Retinitis pigmentosa 39. Last evaluated: 2023-11-04. Review status: criteria provided, single submitter. Criteria: ACMG Guidelines, 2015. Collection method: clinical testing. Allele origin: germline. Affected: no.

Genome-Nilou Lab
Classification: Pathogenic for Usher syndrome type 2A. Last evaluated: 2023-11-04. Review status: criteria provided, single submitter. Criteria: ACMG Guidelines, 2015. Collection method: clinical testing. Allele origin: germline. Affected: no.

Ophthalmic Genetics Group, Institute of Molecular and Clinical Ophthalmology Basel
Classification: Pathogenic for Usher syndrome. Last evaluated: 2023-07-24. Review status: criteria provided, single submitter. Criteria: ACMG Guidelines, 2015. Collection method: research. Allele origin: germline. Affected: yes. Observed: 1 variant allele.
Comment: Clinical significance based on ACMG v2.0

This variant was classified as Pathogenic based on ACMG criteria: PVS1, PS4, PM2, PP5.

Victorian Clinical Genetics Services, Murdoch Childrens Research Institute
Classification: Pathogenic for Usher syndrome type 2A. Last evaluated: 2023-07-17. Review status: criteria provided, single submitter. Criteria: ACMG Guidelines, 2015. Collection method: clinical testing. Allele origin: germline. Inheritance: Autosomal recessive inheritance.
Comment: Based on the classification scheme VCGS_Germline_v1.3.4, this variant is classified as Pathogenic. Following criteria are met: 0102 - Loss of function is a known mechanism of disease in this gene and is associated with Usher syndrome, type 2A (MIM#276901). (I) 0106 - This gene is associated with autosomal recessive disease. (I) 0201 - Variant is predicted to cause nonsense-mediated decay (NMD) and loss of protein (premature termination codon is located at least 54 nucleotides upstream of the final exon-exon junction). (SP) 0251 - This variant is heterozygous. (I) 0304 - Variant is present in gnomAD v2 <0.01 for a recessive condition (198 heterozygotes, 0 homozygotes). (SP) 0701 - Other NMD-predicted variants comparable to the one identified in this case have very strong previous evidence for pathogenicity. Many NMD-predicted variants have been reported in patients with both retinitis pigmentosa and Usher syndrome (Decipher, ClinVar). (SP) 0801 - This variant has strong previous evidence of pathogenicity in unrelated individuals. This variant is one of the most common disease causing variants in the USH2A gene, and has been reported in patients with both Usher syndrome and retinitis pigmentosa (ClinVar, PMID: 29953849). (I) Legend: (SP) - Supporting pathogenic, (I) - Information, (SB) - Supporting benign

Department of Pathology and Laboratory Medicine, Sinai Health System
Classification: Pathogenic for Usher syndrome type 2. Last evaluated: 2023-05-14. Review status: criteria provided, single submitter. Criteria: ACMG Guidelines, 2015. Collection method: research. Allele origin: germline.

Illumina Laboratory Services, Illumina
Classification: Pathogenic for Usher syndrome type 2A. Last evaluated: 2023-01-11. Review status: criteria provided, single submitter. Criteria: ICSLVariantClassificationCriteria RUGD 01 April 2020. Collection method: clinical testing. Allele origin: unknown.
Comment: The USH2A c.2299del (p.Glu767SerfsTer21) variant results in the deletion of a nucleotide at position c.2299, causing a shift in the protein reading frame that is predicted to result in premature termination of the protein. Loss of normal protein function through either protein truncation or nonsense-mediated mRNA decay is predicted, though RNA expression studies performed on nasal epithelial cells suggest that the c.2299del variant could alternately disrupt splicing, leading to skipping of exon 13 or exons 12 and 13 (PMID: 24607488). The c.2299del variant is the most common disease-causing variant in the USH2A gene, and is estimated to account for over 20% of disease-causing alleles among individuals with Usher syndrome type 2, but has also been reported in individuals with non-syndromic retinitis pigmentosa (PMID: 9624053; PMID: 20301515, GeneReviews NBK1341; PMID: 25649381; PMID: 29953849; PMID: 36011334). The highest frequency of this allele in the Genome Aggregation Database is 0.001778 in the Latino/Admixed American population (version 2.1.1). Based on the available evidence, the c.2299del (p.Glu767SerfsTer21) variant is classified as pathogenic for Usher syndrome type 2.

Institute of Human Genetics, Univ. Regensburg, Univ. Regensburg
Classification: Pathogenic for Retinal dystrophy. Last evaluated: 2023-01-01. Review status: criteria provided, single submitter. Criteria: ACMG Guidelines, 2015. Collection method: clinical testing. Allele origin: germline. Affected: yes.

Genetics and Molecular Pathology, SA Pathology
Classification: Pathogenic for Usher syndrome type 2A. Last evaluated: 2022-04-07. Review status: criteria provided, single submitter. Criteria: ACMG Guidelines, 2015. Collection method: clinical testing. Allele origin: germline. Inheritance: Autosomal recessive inheritance. Affected: yes.
Comment: The USH2A c.2299del variant is classified as PATHOGENIC (PVS1, PS4, PM3) This USH2A c.2299del variant is located in exon 13/72 and is predicted to cause a shift in the reading frame at codon 767 (PVS1). This recurrent variant has been reported as the most common USH2A pathogenic variant (PMID: 20301515, PMID:9624053, PMID:22135276, PMID:24607488) (PS4). This variant is in dbSNP (rs80338903) and has been reported as pathogenic for Usher syndrome and Retinitis pigmentosa by other diagnostic laboratories in ClinVar (ClinVar Variation ID: 2351) and in the disease database HGMD (CD982997).

Department of Human Genetics, Hannover Medical School
Classification: Pathogenic for Usher syndrome type 2A. Last evaluated: 2022-01-14. Review status: criteria provided, single submitter. Criteria: ACMG Guidelines, 2015. Collection method: clinical testing. Allele origin: germline. Inheritance: Autosomal recessive inheritance. Affected: yes.

Dasa
Classification: Pathogenic for USH2A-related disorder. Last evaluated: 2022-01-05. Review status: criteria provided, single submitter. Criteria: ACMG Guidelines, 2015. Collection method: clinical testing. Allele origin: germline. Affected: yes. Observed: 1 variant allele.
Comment: The c.2299del;p.(Glu767Serfs*21) is a null frameshift variant (NMD) in the USH2A gene and predicts alteration of the nonsense-mediate decay - NMD is present in a relevantexon to the transcript - PVS1. This sequence change has been observed in affected individual(s) and ClinVar contains an entry for this variant (Clinvar ID: 2351; PMID: 20301515; 31836858; 30718709; 29953849;25649381; 25404053; 23924366; 12525556) - PS4. The variant is present at low allele frequencies population databases (rs80338903– gnomAD 0.04996%; ABraOM no frequency) - PM2_supporting. The p.(Glu767Serfs*21) was detected in trans with a pathogenic variant (PMID: 31836858; 30718709; 29953849;25649381; 25404053; 23924366; 12525556) - PM3_strong. The variant co-segregated with disease in multiple affected family members (PMID: 23924366; 12525556) - PP1. In summary, the currently available evidence indicates that the variant is pathogenic.

DBGen Ocular Genomics
Classification: Pathogenic for Usher syndrome type 2A. Last evaluated: 2021-06-28. Review status: criteria provided, single submitter. Criteria: ACMG Guidelines, 2015. Collection method: clinical testing. Allele origin: germline. Affected: yes. Observed: 2 variant alleles.